The following is an entry in ClinVar:

NM_015272.5(RPGRIP1L):c.2319A>C (p.Ala773=)

Gene: RPGRIP1L (RPGRIP1 like; minus strand). Cytogenetic location: 16q12.2.
Variant type: single nucleotide variant.
Coding change: c.2319A>C on transcript NM_015272.5 (MANE Select); coding-DNA position 2319, A replaced by C.
Protein change: p.Ala773=; no amino-acid change (alanine 773 retained).
Molecular consequence: synonymous variant.
Genome position (GRCh38, 1-based): chr16:53,645,989, T>G on the plus strand (A>C on the coding strand, the complement: RPGRIP1L is on the minus strand). VCF-style: chr16-53645989-T-G. GRCh37 (hg19) VCF-style: chr16-53679901-T-G.
Other names: c.2319A>C, p.Ala773= (NM_001127897.4, NM_001308334.3, NM_001330538.2); c.2319A>C (NM_015272.4).
Identifiers: ClinVar variation 1555213 (VCV001555213.9), dbSNP rs2151084071, ClinGen allele CA495784549.

ClinVar aggregate classification (germline): Likely benign. Review status: criteria provided, multiple submitters, no conflicts (2 of 4 stars). 2 submissions from 2 submitters: Likely benign (2). Last evaluated 2026-06-30.

Conditions:
RPGRIP1L-related disorder. Also called: RPGRIP1L-related condition; RPGRIP1L-related disorders. Identifiers: MedGen CN239416.
Joubert syndrome. Also called: Familial aplasia of the vermis; JOUBERT-BOLTSHAUSER SYNDROME. Identifiers: Orphanet 475, MedGen C5979921, MONDO:0018772.
Meckel-Gruber syndrome. Also called: Dysencephalia splachnocystica; DYSENCEPHALIA SPLANCHNOCYSTICA; GRUBER SYNDROME. Identifiers: Orphanet 564, MedGen C0265215, MONDO:0018921.

Submissions (2):

PreventionGenetics, part of Exact Sciences
Classification: Likely benign for RPGRIP1L-related condition. Last evaluated: 2026-06-30. Review status: criteria provided, single submitter. Criteria: ACMG Guidelines, 2015. Collection method: clinical testing. Allele origin: germline.
Comment: This variant is classified as likely benign based on ACMG/AMP sequence variant interpretation guidelines (Richards et al. 2015 PMID: 25741868, with internal and published modifications).

Labcorp Genetics (formerly Invitae), Labcorp
Classification: Likely benign for Joubert syndrome; Meckel-Gruber syndrome. Last evaluated: 2021-07-09. Review status: criteria provided, single submitter. Criteria: Invitae Variant Classification Sherloc (09022015). Collection method: clinical testing. Allele origin: germline.